The following is an entry in ClinVar:

NM_001271.4(CHD2):c.4003G>A (p.Glu1335Lys)

Gene: CHD2 (chromodomain helicase DNA binding protein 2; plus strand). Cytogenetic location: 15q26.1.
Variant type: single nucleotide variant.
Coding change: c.4003G>A on transcript NM_001271.4 (MANE Select); coding-DNA position 4003, G replaced by A.
Protein change: p.Glu1335Lys; replaces glutamic acid 1335 with lysine.
Molecular consequence: missense variant.
Genome position (GRCh38, 1-based): chr15:92,998,616, G>A. VCF-style: chr15-92998616-G-A. GRCh37 (hg19) VCF-style: chr15-93541846-G-A.
Other names: short protein forms E1335K.
Identifiers: ClinVar variation 4883134 (VCV004883134.2).

ClinVar aggregate classification (germline): Uncertain significance (1 of 4 stars; one submission).

gnomAD v4.1: 2 of 1,612,318 alleles (0.00012%); highest among the groups gnomAD compares: Admixed American, 0.0017%; no homozygotes.

Submission:

Dasa
Classification: Uncertain significance. Last evaluated: 2024-10-14. Review status: criteria provided, single submitter. Criteria: DASA Assertion Criteria. Collection method: clinical testing. Allele origin: germline.
Comment: NM_001271.4(CHD2):c.4003G>A (p.Glu1335Lys) is a missense variant that results in the substitution of glutamic acid with lysine. This variant is rare in population databases. Computational prediction algorithms are consistent with a benign effect. The currently available literature and clinical evidence are not sufficient to establish a definitive association between this variant and the reported condition. Therefore, this variant is classified as a variant of uncertain significance.